The following is an entry in ClinVar:

ClinVar aggregate classification (germline): Uncertain significance. Review status: criteria provided, multiple submitters, no conflicts (2 of 4 stars). 2 submissions from 2 submitters: Uncertain significance (2). Last evaluated 2022-03-23.

Conditions:
Atrial fibrillation, familial, 7 (ATFB7). Identifiers: MedGen C2677106, MONDO:0012828, OMIM 612240.

Allele frequency attached by ClinVar (database versions not stated): gnomAD exomes 0.00001 and below 0.00001.

Submissions (2):

Labcorp Genetics (formerly Invitae), Labcorp
Classification: Uncertain significance for Atrial fibrillation, familial, 7. Last evaluated: 2022-03-23. Review status: criteria provided, single submitter. Criteria: Invitae Variant Classification Sherloc (09022015). Collection method: clinical testing. Allele origin: germline.
Comment: This sequence change replaces aspartic acid, which is acidic and polar, with asparagine, which is neutral and polar, at codon 361 of the KCNA5 protein (p.Asp361Asn). This variant is present in population databases (no rsID available, gnomAD 0.006%). This variant has not been reported in the literature in individuals affected with KCNA5-related conditions. Algorithms developed to predict the effect of missense changes on protein structure and function are either unavailable or do not agree on the potential impact of this missense change (SIFT: "Deleterious"; PolyPhen-2: "Probably Damaging"; Align-GVGD: "Class C15"). In summary, the available evidence is currently insufficient to determine the role of this variant in disease. Therefore, it has been classified as a Variant of Uncertain Significance.

AiLife Diagnostics
Classification: Uncertain significance. Last evaluated: 2021-09-24. Review status: criteria provided, single submitter. Criteria: ACMG Guidelines, 2015. Collection method: clinical testing. Allele origin: germline. Affected: yes. Observed: 1 variant allele.

NM_002234.4(KCNA5):c.1081G>A (p.Asp361Asn)

Gene: KCNA5 (potassium voltage-gated channel subfamily A member 5; plus strand). Cytogenetic location: 12p13.32.
Variant type: single nucleotide variant.
Coding change: c.1081G>A on transcript NM_002234.4 (MANE Select); coding-DNA position 1081, G replaced by A.
Protein change: p.Asp361Asn; replaces aspartic acid 361 with asparagine.
Molecular consequence: missense variant.
Genome position (GRCh38, 1-based): chr12:5,045,228, G>A. VCF-style: chr12-5045228-G-A. GRCh37 (hg19) VCF-style: chr12-5154394-G-A.
Other names: short protein forms D361N.
Identifiers: ClinVar variation 1677525 (VCV001677525.6), dbSNP rs1236233282, ClinGen allele CA383465738.